The following is an entry in ClinVar:

ClinVar aggregate classification (germline): Benign/Likely benign. Review status: criteria provided, multiple submitters, no conflicts (2 of 4 stars). 5 submissions from 5 submitters: Benign (1); Likely benign (4). Last evaluated 2026-05-20.

Conditions:
Hereditary cancer-predisposing syndrome. Also called: Tumor predisposition; Hereditary neoplastic syndrome; Neoplastic Syndromes, Hereditary; Hereditary Cancer Syndrome. Identifiers: Orphanet 140162, MedGen C0027672, MeSH D009386, MONDO:0015356.
Cardiovascular phenotype. Identifiers: MedGen CN230736.
Neurofibromatosis, type 1 (NF1). Also called: Neurofibromatosis, type I; NEUROFIBROMATOSIS, TYPE I, SOMATIC; VON RECKLINGHAUSEN DISEASE; Peripheral type neurofibromatosis. Identifiers: Orphanet 636, MedGen C0027831, MONDO:0018975, OMIM 162200. Disease mechanism: loss of function.

Allele frequency attached by ClinVar (database versions not stated): gnomAD exomes below 0.00001.
gnomAD v4.1: 1 of 1,613,030 alleles (0.000062%); highest among the groups gnomAD compares: African/African-American, 0.0013%; no homozygotes.

Submissions (5):

Myriad Genetics, Inc.
Classification: Benign for Neurofibromatosis, type 1. Last evaluated: 2026-05-20. Review status: criteria provided, single submitter. Criteria: Myriad Autosomal Dominant, Autosomal Recessive and X-Linked Classification Criteria (2023). Collection method: clinical testing. Allele origin: unknown.
Comment: This variant is considered benign. This variant is a silent/synonymous amino acid change and it is not expected to impact splicing.

Labcorp Genetics (formerly Invitae), Labcorp
Classification: Likely benign for Neurofibromatosis, type 1. Last evaluated: 2025-12-13. Review status: criteria provided, single submitter. Criteria: Invitae Variant Classification Sherloc (09022015). Collection method: clinical testing. Allele origin: germline.

Genome-Nilou Lab
Classification: Likely benign for Neurofibromatosis, type 1. Last evaluated: 2022-03-15. Review status: criteria provided, single submitter. Criteria: ACMG Guidelines, 2015. Collection method: clinical testing. Allele origin: germline. Affected: no.

Ambry Genetics
Classification: Likely benign for Cardiovascular phenotype; Hereditary cancer-predisposing syndrome. Last evaluated: 2016-09-29. Review status: criteria provided, single submitter. Criteria: Ambry Variant Classification Scheme 2023. Collection method: clinical testing. Allele origin: germline.

Laboratory for Molecular Medicine, Mass General Brigham Personalized Medicine
Classification: Likely benign. Last evaluated: 2015-12-03. Review status: criteria provided, single submitter. Criteria: LMM Criteria. Collection method: clinical testing. Allele origin: germline. Observed: 1 variant allele.
Comment: p.Phe1584Phe in exon 36 of NF1: This variant is not expected to have clinical si gnificance because it does not alter an amino acid residue and is not located wi thin the splice consensus sequence.

NM_001042492.3(NF1):c.4752C>T (p.Phe1584=)

Gene: NF1 (neurofibromin 1; plus strand). Cytogenetic location: 17q11.2.
Variant type: single nucleotide variant.
Coding change: c.4752C>T on transcript NM_001042492.3 (MANE Select); coding-DNA position 4752, C replaced by T.
Protein change: p.Phe1584=; no amino-acid change (phenylalanine 1584 retained).
Molecular consequence: synonymous variant.
Genome position (GRCh38, 1-based): chr17:31,265,256, C>T. VCF-style: chr17-31265256-C-T. GRCh37 (hg19) VCF-style: chr17-29592274-C-T.
Other names: c.4689C>T, p.Phe1563= (NM_000267.4).
Identifiers: ClinVar variation 227743 (VCV000227743.21), dbSNP rs876657545, ClinGen allele CA10577033.